The following is an entry in ClinVar:

NM_000317.3(PTS):c.78G>T (p.Leu26Phe)

Genes: PTS (6-pyruvoyltetrahydropterin synthase; plus strand), LOC130006765 (ATAC-STARR-seq lymphoblastoid silent region 3906; plus strand). Cytogenetic location: 11q23.1.
Variant type: single nucleotide variant.
Coding change: c.78G>T on transcript NM_000317.3 (MANE Select); coding-DNA position 78, G replaced by T.
Protein change: p.Leu26Phe; replaces leucine 26 with phenylalanine.
Molecular consequence: missense variant.
Genome position (GRCh38, 1-based): chr11:112,226,521, G>T. VCF-style: chr11-112226521-G-T. GRCh37 (hg19) VCF-style: chr11-112097244-G-T.
Other names: short protein forms L26F.
Identifiers: ClinVar variation 1308635 (VCV001308635.12), dbSNP rs1317230624, ClinGen allele CA382626573.

ClinVar aggregate classification (germline): Pathogenic/Likely pathogenic. Review status: criteria provided, multiple submitters, no conflicts (2 of 4 stars). 3 submissions from 3 submitters: Pathogenic (1); Likely pathogenic (2). Last evaluated 2023-03-29.

Conditions:
6-Pyruvoyl-tetrahydrobiopterin synthase deficiency. Also called: PTS DEFICIENCY; 6-Pyruvoyltetrahydropterin Synthase Deficiency; Hyperphenylalanemia, BH4-deficient, A; Hyperphenylalaninemia due to 6-pyruvoyl-tetrahydropterin synthase deficiency; BH4-deficient hyperphenylalaninemia A; PTS-Related Tetrahydrobiopterin Deficiency. Identifiers: Orphanet 13, Orphanet 238583, MedGen C0878676, MONDO:0009863, OMIM 261640.

Allele frequency attached by ClinVar (database versions not stated): gnomAD exomes 0.00001 and below 0.00001.
gnomAD v4.1: 3 of 1,582,438 alleles (0.00019%); highest among the groups gnomAD compares: Non-Finnish European, 0.00026%; no homozygotes.

Submissions (3):

Labcorp Genetics (formerly Invitae), Labcorp
Classification: Likely pathogenic for 6-Pyruvoyl-tetrahydrobiopterin synthase deficiency. Last evaluated: 2023-03-29. Review status: criteria provided, single submitter. Criteria: Invitae Variant Classification Sherloc (09022015). Collection method: clinical testing. Allele origin: germline.
Comment: In summary, the currently available evidence indicates that the variant is pathogenic, but additional data are needed to prove that conclusively. Therefore, this variant has been classified as Likely Pathogenic. This sequence change replaces leucine, which is neutral and non-polar, with phenylalanine, which is neutral and non-polar, at codon 26 of the PTS protein (p.Leu26Phe). This variant is present in population databases (no rsID available, gnomAD 0.002%). This missense change has been observed in individual(s) with biopterin-deficient hyperphenylalanemia (PMID: 11388593). In at least one individual the data is consistent with being in trans (on the opposite chromosome) from a pathogenic variant. ClinVar contains an entry for this variant (Variation ID: 1308635). An algorithm developed to predict the effect of missense changes on protein structure and function (PolyPhen-2) suggests that this variant is likely to be disruptive. Experimental studies have shown that this missense change affects PTS function (PMID: 11388593).

Fulgent Genetics
Classification: Likely pathogenic for 6-Pyruvoyl-tetrahydrobiopterin synthase deficiency. Last evaluated: 2022-03-03. Review status: criteria provided, single submitter. Criteria: ACMG Guidelines, 2015. Collection method: clinical testing. Allele origin: unknown.

Equipe Genetique des Anomalies du Developpement, Université de Bourgogne
Classification: Pathogenic for 6-Pyruvoyl-tetrahydrobiopterin synthase deficiency. Last evaluated: 2021-10-18. Review status: criteria provided, single submitter. Criteria: ACMG Guidelines, 2015. Collection method: clinical testing. Allele origin: paternal. Affected: yes.

Literature cited by the submitters: PubMed 11388593 (cited by Labcorp Genetics (formerly Invitae), Labcorp).